The following is an entry in ClinVar:

NM_053025.4(MYLK):c.1710C>T (p.Ile570=)

Gene: MYLK (myosin light chain kinase; minus strand). Cytogenetic location: 3q21.1.
Variant type: single nucleotide variant.
Coding change: c.1710C>T on transcript NM_053025.4 (MANE Select); coding-DNA position 1710, C replaced by T.
Protein change: p.Ile570=; no amino-acid change (isoleucine 570 retained).
Molecular consequence: synonymous variant.
Genome position (GRCh38, 1-based): chr3:123,722,222, G>A on the plus strand (C>T on the coding strand, the complement: MYLK is on the minus strand). VCF-style: chr3-123722222-G-A. GRCh37 (hg19) VCF-style: chr3-123441069-G-A.
Other names: c.1182C>T, p.Ile394= (NM_001321309.2); c.1503C>T, p.Ile501= (NM_053026.4, NM_053028.4); c.1710C>T, p.Ile570= (NM_053027.4).
Identifiers: ClinVar variation 508440 (VCV000508440.2), dbSNP rs1292269089, ClinGen allele CA435306060.

ClinVar aggregate classification (germline): Likely benign. Review status: criteria provided, multiple submitters, no conflicts (2 of 4 stars). 2 submissions from 2 submitters: Likely benign (2). Last evaluated 2026-06-15.

Conditions:
Familial thoracic aortic aneurysm and aortic dissection (TAAD). Also called: Thoracic aortic aneurysms and dissections. Identifiers: Orphanet 91387, MedGen C4707243, MONDO:0019625.

Allele frequency attached by ClinVar (database versions not stated): gnomAD exomes below 0.00001; gnomAD 0.00001; TOPMed 0.00001.
gnomAD v4.1: 4 of 1,563,462 alleles (0.00026%); highest among the groups gnomAD compares: Non-Finnish European, 0.00035%; no homozygotes.

Submissions (2):

Ambry Genetics
Classification: Likely benign for Familial thoracic aortic aneurysm and aortic dissection. Last evaluated: 2026-06-15. Review status: criteria provided, single submitter. Criteria: Ambry Variant Classification Scheme 2023. Collection method: clinical testing. Allele origin: germline.

GeneDx
Classification: Likely benign. Last evaluated: 2017-03-30. Review status: criteria provided, single submitter. Criteria: GeneDx Variant Classification (06012015). Collection method: clinical testing. Allele origin: germline. Affected: yes.
Comment: This variant is considered likely benign or benign based on one or more of the following criteria: it is a conservative change, it occurs at a poorly conserved position in the protein, it is predicted to be benign by multiple in silico algorithms, and/or has population frequency not consistent with disease.